The following is an entry in ClinVar:

ClinVar aggregate classification (germline): Pathogenic. Review status: criteria provided, multiple submitters, no conflicts (2 of 4 stars). 3 submissions from 3 submitters: Pathogenic (2). 1 of the submissions does not count toward it. Last evaluated 2025-04-17.

Conditions:
Hepatic methionine adenosyltransferase deficiency. Also called: MAT I/III DEFICIENCY; Methionine adenosyltransferase deficiency; Isolated Persistent Hypermethioninemia; Deficiency of methionine adenosyltransferase. Identifiers: Orphanet 168598, MedGen C0268621, MeSH C564683, MONDO:0009607, OMIM 250850.

Allele frequency attached by ClinVar (database versions not stated): gnomAD exomes 0.00001; TOPMed 0.00001.

Submissions (3):

Labcorp Genetics (formerly Invitae), Labcorp
Classification: Pathogenic for Hepatic methionine adenosyltransferase deficiency. Last evaluated: 2025-04-17. Review status: criteria provided, single submitter. Criteria: Invitae Variant Classification Sherloc (09022015). Collection method: clinical testing. Allele origin: germline.
Comment: This sequence change creates a premature translational stop signal (p.Ser180Leufs*6) in the MAT1A gene. It is expected to result in an absent or disrupted protein product. Loss-of-function variants in MAT1A are known to be pathogenic (PMID: 20675163, 24231718). This variant is present in population databases (no rsID available, gnomAD 0.002%). This premature translational stop signal has been observed in individual(s) with methionine adenosyltransferase I/III deficiency (PMID: 8770875; internal data). ClinVar contains an entry for this variant (Variation ID: 977208). For these reasons, this variant has been classified as Pathogenic.

Greenwood Genetic Center Diagnostic Laboratories, Greenwood Genetic Center
Classification: Pathogenic. Last evaluated: 2020-07-27. Review status: criteria provided, single submitter. Criteria: ACMG Guidelines, 2015. Collection method: clinical testing. Allele origin: germline. Affected: yes.
Comment: PVS1, PS3, PM2

OMIM
Classification: Pathogenic for METHIONINE ADENOSYLTRANSFERASE I/III DEFICIENCY, AUTOSOMAL RECESSIVE. Last evaluated: 1998-02-03. Review status: no assertion criteria provided. Collection method: literature only. Allele origin: germline. Not counted in ClinVar's aggregate classification.

Literature cited by the submitters: PubMed 20675163 (cited by Labcorp Genetics (formerly Invitae), Labcorp); PubMed 24231718 (cited by Labcorp Genetics (formerly Invitae), Labcorp); PubMed 8770875 (cited by Labcorp Genetics (formerly Invitae), Labcorp and OMIM); PubMed 3812486 (cited by OMIM); PubMed 9482646 (cited by OMIM).

NM_000429.3(MAT1A):c.538_539insTG (p.Ser180fs)

Gene: MAT1A (methionine adenosyltransferase 1A; minus strand). Cytogenetic location: 10q22.3.
Variant type: Insertion.
Coding change: c.538_539insTG on transcript NM_000429.3 (MANE Select); coding-DNA positions 538 to 539, TG inserted.
Protein change: p.Ser180fs; shifts the reading frame from serine 180.
Molecular consequence: frameshift variant.
Genome position: GRCh38 VCF-style: chr10-80280183-G-GCA. GRCh37 (hg19) VCF-style: chr10-82039939-G-GCA.
Other names: short protein forms S180fs.
Identifiers: ClinVar variation 977208 (VCV000977208.11), dbSNP rs944263459, ClinGen allele CA210326818.